The following is an entry in ClinVar:

NM_000321.3(RB1):c.2325+2T>C

Gene: RB1 (RB transcriptional corepressor 1; plus strand). Cytogenetic location: 13q14.2.
Variant type: single nucleotide variant.
Coding change: c.2325+2T>C on transcript NM_000321.3 (MANE Select); the canonical splice donor site of the intron after coding-DNA position 2325, T replaced by C.
Molecular consequence: splice donor variant.
Genome position (GRCh38, 1-based): chr13:48,465,113, T>C. VCF-style: chr13-48465113-T-C. GRCh37 (hg19) VCF-style: chr13-49039249-T-C.
Other names: c.2325+2T>C (NM_001407165.1).
Identifiers: ClinVar variation 4852613 (VCV004852613.2).
Genomic context (GRCh38, chr13:48,465,113, plus strand): 5'-ATAACTCGGTCTTCATGCAGAGACTGAAAACAAATATTTTGCAGTATGCTTCCACCAGGG[T>C]AGGTCAAAAGTATCCTTTGATTGGAAAAATCTAATGTAATGGGTCCACCAAAACATTAAA-3'

ClinVar aggregate classification (germline): Likely pathogenic (1 of 4 stars; one submission).

Submission:

Dasa
Classification: Likely pathogenic. Last evaluated: 2025-10-24. Review status: criteria provided, single submitter. Criteria: DASA Assertion Criteria. Collection method: clinical testing. Allele origin: germline.
Comment: NM_000321.3(RB1):c.2325+2T>C affects a canonical splice site and is predicted to disrupt normal RNA splicing. Loss of function is an established disease mechanism for RB1 (PMID: 2601691; PMID: 8651278; PMID: 28575107). This variant affects a canonical splice-site context with prior evidence supporting clinical relevance. Also, this variant is absent from population databases. Based on the currently available evidence, this variant is classified as likely pathogenic.

Literature cited by the submitters: PubMed 2601691; PubMed 8651278; PubMed 28575107.